The following is an entry in ClinVar:

NM_000092.5(COL4A4):c.3724G>A (p.Gly1242Ser)

Gene: COL4A4 (collagen type IV alpha 4 chain; minus strand). Cytogenetic location: 2q36.3.
Variant type: single nucleotide variant.
Coding change: c.3724G>A on transcript NM_000092.5 (MANE Select); coding-DNA position 3724, G replaced by A.
Protein change: p.Gly1242Ser; replaces glycine 1242 with serine.
Molecular consequence: missense variant.
Genome position (GRCh38, 1-based): chr2:227,032,038, C>T on the plus strand (G>A on the coding strand, the complement: COL4A4 is on the minus strand). VCF-style: chr2-227032038-C-T. GRCh37 (hg19) VCF-style: chr2-227896754-C-T.
Other names: short protein forms G1242S.
Identifiers: ClinVar variation 3773749 (VCV003773749.1).

ClinVar aggregate classification (germline): Likely pathogenic (1 of 4 stars; one submission).

Conditions:
Alport syndrome. Also called: Hemorrhagic familial nephritis; Hemorrhagic hereditary nephritis; Congenital hereditary hematuria. Identifiers: Orphanet 63, MedGen C1567741, MONDO:0018965.

Submission:

Molecular Genetics, Royal Melbourne Hospital
Classification: Likely pathogenic for Alport syndrome. Last evaluated: 2024-11-04. Review status: criteria provided, single submitter. Criteria: ACMG Guidelines, 2015. Collection method: clinical testing. Allele origin: germline. Inheritance: Semidominant inheritance. Affected: yes.
Comment: This sequence change in COL4A4 is predicted to replace glycine with serine at codon 1242, p.(Gly1242Ser). The glycine residue is highly conserved (100 vertebrates, Multiz Alignments), and is a glycine-altering variant that alters a critical glycine residue in a collagen triple helix repeat (Gly-X-Y) in the alpha-IV collagenous domain. Glycine substitutions within this functional domain have a well-established pathogenic dominant-negative effect (PMID: 20301386). There is a small physicochemical difference between glycine and serine. This variant is absent from the population database gnomAD v4.1. This variant has been detected as compound heterozygous in one individual with Alport Syndrome (PMID: 33772369). Computational evidence predicts a deleterious effect for the missense substitution (REVEL = 0.919) and predicts no impact on splicing (SpliceAI) for the nucleotide change. Based on the classification scheme RMH Modified ACMG/AMP Guidelines v1.7.0, this variant is classified as LIKELY PATHOGENIC. Following criteria are met: PM1, PM2_Supporting, PM3_Supporting, PP3, PS4_Supporting.

Literature cited by the submitters: PubMed 20301386; PubMed 33772369.